The following is an entry in ClinVar:

ClinVar aggregate classification (germline): Benign/Likely benign. Review status: criteria provided, multiple submitters, no conflicts (2 of 4 stars). 20 submissions from 17 submitters: Benign (17); Likely benign (1). 2 of the submissions do not count toward it. Last evaluated 2026-02-04.

Conditions:
Catecholaminergic polymorphic ventricular tachycardia 1. Also called: VENTRICULAR TACHYCARDIA, CATECHOLAMINERGIC POLYMORPHIC, 1, WITH OR WITHOUT ATRIAL DYSFUNCTION AND/OR DILATED CARDIOMYOPATHY; VENTRICULAR TACHYCARDIA, STRESS-INDUCED POLYMORPHIC 1; RYR2-Related Catecholaminergic Polymorphic Ventricular Tachycardia. Identifiers: Orphanet 3286, MedGen C1631597, MONDO:0011484, OMIM 604772.
Arrhythmogenic right ventricular dysplasia 2. Identifiers: MedGen C1832931.
Ventricular arrhythmias due to cardiac ryanodine receptor calcium release deficiency syndrome. Also called: Autosomal dominant cardiac arrhythmia (Kuhn). Identifiers: MedGen C5542154, MONDO:0020745, OMIM 115000.
Cardiac arrhythmia. Also called: Arrhythmia; Cardiac rhythm disease. Identifiers: MedGen C0003811, MONDO:0007263, HP:0011675.
Cardiovascular phenotype. Identifiers: MedGen CN230736.
Cardiomyopathy (CMYO). Also called: Cardiomyopathies. Identifiers: Orphanet 167848, MedGen C0878544, MONDO:0004994, HP:0001638. Inheritance: Various modes of inheritance.
Catecholaminergic polymorphic ventricular tachycardia (CVPT). Also called: Catecholamine-induced polymorphic ventricular tachycardia. Identifiers: Orphanet 3286, MedGen C5574922, MONDO:0017990.

Allele frequency attached by ClinVar (database versions not stated): 1000 Genomes Project 30x 0.96658; TOPMed 0.96690; 1000 Genomes Project 0.96925; ESP Exome Variant Server 0.97182.
gnomAD v4.1: 1,600,353 of 1,609,324 alleles (99%); highest among the groups gnomAD compares: East Asian, 100%; 796,067 homozygotes.

Submissions (20):

Labcorp Genetics (formerly Invitae), Labcorp
Classification: Benign for Catecholaminergic polymorphic ventricular tachycardia 1. Last evaluated: 2026-02-04. Review status: criteria provided, single submitter. Criteria: Invitae Variant Classification Sherloc (09022015). Collection method: clinical testing. Allele origin: germline.

Molecular Diagnostic Laboratory for Inherited Cardiovascular Disease, Montreal Heart Institute
Classification: Benign. Last evaluated: 2025-04-09. Review status: criteria provided, single submitter. Criteria: ACMG Guidelines, 2015. Collection method: clinical testing. Allele origin: germline. Affected: no.

Blueprint Genetics
Classification: Benign. Last evaluated: 2024-11-26. Review status: criteria provided, single submitter. Criteria: ACMG Guidelines, 2015. Collection method: clinical testing. Allele origin: germline.

All of Us Research Program, National Institutes of Health
Classification: Benign for Catecholaminergic polymorphic ventricular tachycardia. Last evaluated: 2024-02-05. Review status: criteria provided, single submitter. Criteria: ACMG Guidelines, 2015. Collection method: clinical testing. Allele origin: germline. Inheritance: Autosomal dominant inheritance. Observed: 106,395 variant alleles, 1,610 heterozygotes, 104,785 homozygotes.
Comment: This study involves interpretation of variants in research participants for the purpose of population health screening. Participant phenotype was not available at the time of variant classification. Additional details can be found in publication PMID: 35346344, PMCID: PMC8962531

Genome-Nilou Lab
Classification: Benign for Catecholaminergic polymorphic ventricular tachycardia 1. Last evaluated: 2021-11-07. Review status: criteria provided, single submitter. Criteria: ACMG Guidelines, 2015. Collection method: clinical testing. Allele origin: germline. Affected: no.

Genome-Nilou Lab
Classification: Benign for Ventricular arrhythmias due to cardiac ryanodine receptor calcium release deficiency syndrome. Last evaluated: 2021-11-07. Review status: criteria provided, single submitter. Criteria: ACMG Guidelines, 2015. Collection method: clinical testing. Allele origin: germline. Affected: no.

Genome-Nilou Lab
Classification: Benign for Catecholaminergic polymorphic ventricular tachycardia 1. Last evaluated: 2021-11-07. Review status: criteria provided, single submitter. Criteria: ACMG Guidelines, 2015. Collection method: clinical testing. Allele origin: germline. Affected: no.

Fulgent Genetics
Classification: Likely benign for Ventricular arrhythmias due to cardiac ryanodine receptor calcium release deficiency syndrome; Catecholaminergic polymorphic ventricular tachycardia 1. Last evaluated: 2021-08-11. Review status: criteria provided, single submitter. Criteria: ACMG Guidelines, 2015. Collection method: clinical testing. Allele origin: unknown.

Color Diagnostics, LLC DBA Color Health
Classification: Benign for Cardiomyopathy. Last evaluated: 2018-03-15. Review status: criteria provided, single submitter. Criteria: ACMG Guidelines, 2015. Collection method: clinical testing. Allele origin: germline.

Illumina Laboratory Services, Illumina
Classification: Benign for Catecholaminergic polymorphic ventricular tachycardia 1. Last evaluated: 2018-01-13. Review status: criteria provided, single submitter. Criteria: ICSL Variant Classification Criteria 13 December 2019. Collection method: clinical testing. Allele origin: germline.
Comment: This variant was observed in the ICSL laboratory as part of a predisposition screen in an ostensibly healthy population. It had not been previously curated by ICSL or reported in the Human Gene Mutation Database (HGMD: prior to June 1st, 2018), and was therefore a candidate for classification through an automated scoring system. Utilizing variant allele frequency, disease prevalence and penetrance estimates, and inheritance mode, an automated score was calculated to assess if this variant is too frequent to cause the disease. Based on the score and internal cut-off values, a variant classified as benign is not then subjected to further curation. The score for this variant resulted in a classification of benign for this disease.

Illumina Laboratory Services, Illumina
Classification: Benign for Catecholaminergic polymorphic ventricular tachycardia 1. Last evaluated: 2018-01-13. Review status: criteria provided, single submitter. Criteria: ICSL Variant Classification Criteria 13 December 2019. Collection method: clinical testing. Allele origin: germline.
Comment: the same text as in the submission from Illumina Laboratory Services, Illumina above.

Ambry Genetics
Classification: Benign for Cardiovascular phenotype. Last evaluated: 2015-03-09. Review status: criteria provided, single submitter. Criteria: Ambry Variant Classification Scheme 2023. Collection method: clinical testing. Allele origin: germline.

GeneDx
Classification: Benign. Last evaluated: 2015-03-03. Review status: criteria provided, single submitter. Criteria: GeneDx Variant Classification Process June 2021. Collection method: clinical testing. Allele origin: germline. Affected: yes.

Eurofins Ntd Llc (ga)
Classification: Benign. Last evaluated: 2014-09-15. Review status: criteria provided, single submitter. Criteria: EGL Classification Definitions 2015. Collection method: clinical testing. Allele origin: germline. Observed: 2 variant alleles, 2 homozygotes.

Mayo Clinic Laboratories, Mayo Clinic
Classification: Benign. Last evaluated: 2014-03-07. Review status: criteria provided, single submitter. Criteria: ACMG Guidelines, 2015. Collection method: clinical testing. Allele origin: germline. Observed: 1,305 variant alleles.

Laboratory for Molecular Medicine, Mass General Brigham Personalized Medicine
Classification: Benign. Last evaluated: 2011-09-16. Review status: criteria provided, single submitter. Criteria: LMM Criteria. Collection method: clinical testing. Allele origin: germline. Observed: 1,808 variant alleles.

Breakthrough Genomics
Classification: Benign. Review status: criteria provided, single submitter. Criteria: ACMG Guidelines, 2015. Collection method: not provided. Allele origin: germline. Inheritance: Autosomal dominant inheritance. Affected: yes.

PreventionGenetics, part of Exact Sciences
Classification: Benign. Review status: criteria provided, single submitter. Criteria: ACMG Guidelines, 2015. Collection method: clinical testing. Allele origin: germline.

Clinical Genetics, Academic Medical Center
Classification: Benign. Review status: no assertion criteria provided. Collection method: clinical testing. Allele origin: germline. Affected: yes. Study: VKGL Data-share Consensus. Not counted in ClinVar's aggregate classification.

Diagnostic Laboratory, Department of Genetics, University Medical Center Groningen
Classification: Benign. Review status: no assertion criteria provided. Collection method: clinical testing. Allele origin: germline. Affected: yes. Study: VKGL Data-share Consensus. Not counted in ClinVar's aggregate classification.

NM_001035.3(RYR2):c.9318T>G (p.Ser3106=)

Gene: RYR2 (ryanodine receptor 2; plus strand). Cytogenetic location: 1q43.
Variant type: single nucleotide variant.
Coding change: c.9318T>G on transcript NM_001035.3 (MANE Select); coding-DNA position 9318, T replaced by G.
Protein change: p.Ser3106=; no amino-acid change (serine 3106 retained).
Molecular consequence: synonymous variant.
Genome position (GRCh38, 1-based): chr1:237,700,418, T>G. VCF-style: chr1-237700418-T-G. GRCh37 (hg19) VCF-style: chr1-237863718-T-G.
Other names: p.Ser3106=.
Identifiers: ClinVar variation 43836 (VCV000043836.41), dbSNP rs2797436, ClinGen allele CA011162.